The following is an entry in ClinVar:

ClinVar aggregate classification (germline): Uncertain significance (1 of 4 stars; one submission).

Submission:

Women's Health and Genetics/Laboratory Corporation of America, LabCorp
Classification: Uncertain significance. Last evaluated: 2024-12-04. Review status: criteria provided, single submitter. Criteria: LabCorp Variant Classification Summary - May 2015. Collection method: clinical testing. Allele origin: germline.
Comment: Variant summary: KCNN3 c.670C>T (p.Arg224Trp) results in a non-conservative amino acid change in the encoded protein sequence. Three of four in-silico tools predict a damaging effect of the variant on protein function. The variant was absent in 251402 control chromosomes. The available data on variant occurrences in the general population are insufficient to allow any conclusion about variant significance. To our knowledge, no occurrence of c.670C>T in individuals affected with Zimmermann-Laband Syndrome 3 and no experimental evidence demonstrating its impact on protein function have been reported. No submitters have cited clinical-significance assessments for this variant to ClinVar. Based on the evidence outlined above, the variant was classified as uncertain significance.

NM_002249.6(KCNN3):c.670C>T (p.Arg224Trp)

Gene: KCNN3 (potassium calcium-activated channel subfamily N member 3; minus strand). Cytogenetic location: 1q21.3.
Variant type: single nucleotide variant.
Coding change: c.670C>T on transcript NM_002249.6 (MANE Select); coding-DNA position 670, C replaced by T.
Protein change: p.Arg224Trp; replaces arginine 224 with tryptophan.
Molecular consequence: missense variant.
Genome position (GRCh38, 1-based): chr1:154,869,295, G>A on the plus strand (C>T on the coding strand, the complement: KCNN3 is on the minus strand). VCF-style: chr1-154869295-G-A. GRCh37 (hg19) VCF-style: chr1-154841771-G-A.
Other names: c.670C>T, p.Arg224Trp (NM_001204087.2); short protein forms R224W.
Identifiers: ClinVar variation 3768275 (VCV003768275.1).